The following is an entry in ClinVar:

NM_000112.4(SLC26A2):c.535G>A (p.Glu179Lys)

Gene: SLC26A2 (solute carrier family 26 member 2; plus strand). Cytogenetic location: 5q32.
Variant type: single nucleotide variant.
Coding change: c.535G>A on transcript NM_000112.4 (MANE Select); coding-DNA position 535, G replaced by A.
Protein change: p.Glu179Lys; replaces glutamic acid 179 with lysine.
Molecular consequence: missense variant.
Genome position (GRCh38, 1-based): chr5:149,978,187, G>A. VCF-style: chr5-149978187-G-A. GRCh37 (hg19) VCF-style: chr5-149357750-G-A.
Other names: short protein forms E179K.
Identifiers: ClinVar variation 1429462 (VCV001429462.3), dbSNP rs755031722, ClinGen allele CA3505269.
Genomic context (GRCh38, chr5:149,978,187, plus strand): 5'-CACATCTCTGTGGGCATTTTTGGAGTACTGTGCCTTATGATTGGTGAGACAGTTGACCGA[G>A]AACTACAGAAAGCTGGCTATGACAATGCCCATAGTGCTCCTTCCTTAGGAATGGTTTCAA-3'
Protein context (NP_000103.2, residues 169-189): CLMIGETVDR[Glu179Lys]LQKAGYDNAH

ClinVar aggregate classification (germline): Uncertain significance (1 of 4 stars; one submission).

Conditions:
Diastrophic dysplasia (DTD). Also called: Diastrophic dwarfism. Identifiers: Orphanet 628, MedGen C0220726, MONDO:0009107, OMIM 222600.
Atelosteogenesis type II (AO2). Also called: NEONATAL OSSEOUS DYSPLASIA I; Neonatal osseous dysplasia 1; SLC26A2-Related Atelosteogenesis. Identifiers: Orphanet 56304, MedGen C1850554, MONDO:0009727, OMIM 256050.
Multiple epiphyseal dysplasia type 4 (EDM4). Also called: Multiple Epiphyseal Dysplasia, Recessive; MULTIPLE EPIPHYSEAL DYSPLASIA WITH BILAYERED PATELLAE; MULTIPLE EPIPHYSEAL DYSPLASIA WITH CLUBFOOT; MULTIPLE EPIPHYSEAL DYSPLASIA, AUTOSOMAL RECESSIVE; SLC26A2-Related Multiple Epiphyseal Dysplasia. Identifiers: Orphanet 93307, MedGen C1847593, MONDO:0009189, OMIM 226900.
Achondrogenesis, type IB (ACG1B). Also called: Achondrogenesis Type 1B. Identifiers: Orphanet 932, Orphanet 93298, MedGen C0265274, MONDO:0010966, OMIM 600972.

Allele frequency attached by ClinVar (database versions not stated): gnomAD 0.00001; gnomAD exomes 0.00001 and 0.00002; ExAC 0.00002.
gnomAD v4.1: 10 of 1,613,158 alleles (0.00062%); highest among the groups gnomAD compares: South Asian, 0.0088%; no homozygotes.

Submission:

Labcorp Genetics (formerly Invitae), Labcorp
Classification: Uncertain significance for Atelosteogenesis type II; Multiple epiphyseal dysplasia type 4; Achondrogenesis, type IB; Diastrophic dysplasia. Last evaluated: 2022-07-06. Review status: criteria provided, single submitter. Criteria: Invitae Variant Classification Sherloc (09022015). Collection method: clinical testing. Allele origin: germline.
Comment: This sequence change replaces glutamic acid, which is acidic and polar, with lysine, which is basic and polar, at codon 179 of the SLC26A2 protein (p.Glu179Lys). This variant is present in population databases (rs755031722, gnomAD 0.02%). This variant has not been reported in the literature in individuals affected with SLC26A2-related conditions. ClinVar contains an entry for this variant (Variation ID: 1429462). Advanced modeling of protein sequence and biophysical properties (such as structural, functional, and spatial information, amino acid conservation, physicochemical variation, residue mobility, and thermodynamic stability) performed at Invitae indicates that this missense variant is expected to disrupt SLC26A2 protein function. In summary, the available evidence is currently insufficient to determine the role of this variant in disease. Therefore, it has been classified as a Variant of Uncertain Significance.